The following is an entry in ClinVar:

NM_001009999.3(KDM1A):c.595T>C (p.Phe199Leu)

Gene: KDM1A (lysine demethylase 1A; plus strand). Cytogenetic location: 1p36.12.
Variant type: single nucleotide variant.
Coding change: c.595T>C on transcript NM_001009999.3 (MANE Select); coding-DNA position 595, T replaced by C.
Protein change: p.Phe199Leu; replaces phenylalanine 199 with leucine.
Molecular consequence: missense variant.
Genome position (GRCh38, 1-based): chr1:23,050,404, T>C. VCF-style: chr1-23050404-T-C. GRCh37 (hg19) VCF-style: chr1-23376897-T-C.
Other names: c.535T>C, p.Phe179Leu (NM_001363654.2, NM_001410763.1, NM_015013.4); c.595T>C, p.Phe199Leu (NM_001410762.1); short protein forms F179L, F199L.
Identifiers: ClinVar variation 4858750 (VCV004858750.1).

ClinVar aggregate classification (germline): Uncertain significance (1 of 4 stars; one submission).

Conditions:
Inborn genetic diseases. Identifiers: MedGen C0950123, MeSH D030342.

Submission:

Ambry Genetics
Classification: Uncertain significance for Inborn genetic diseases. Last evaluated: 2026-05-30. Review status: criteria provided, single submitter. Criteria: Ambry Variant Classification Scheme 2023. Collection method: clinical testing. Allele origin: germline.
Comment: The p.F199L variant (also known as c.595T>C), located in coding exon 4 of the KDM1A gene, results from a T to C substitution at nucleotide position 595. The phenylalanine at codon 199 is replaced by leucine, an amino acid with highly similar properties. This amino acid position is conserved. In addition, the in silico prediction for this alteration is inconclusive. Based on the available evidence, the clinical significance of this variant remains unclear.